The following is an entry in ClinVar:

ClinVar aggregate classification (germline): Uncertain significance (1 of 4 stars; one submission).

Conditions:
Generalized epilepsy-paroxysmal dyskinesia syndrome (PNKD3). Also called: Paroxysmal nonkinesigenic dyskinesia, 3, with or without generalized epilepsy; Generalized epilepsy and paroxysmal dyskinesia. Identifiers: Orphanet 79137, MedGen C5574945, MONDO:0012276, OMIM 609446.

Submission:

Labcorp Genetics (formerly Invitae), Labcorp
Classification: Uncertain significance for Generalized epilepsy-paroxysmal dyskinesia syndrome. Last evaluated: 2021-11-11. Review status: criteria provided, single submitter. Criteria: Invitae Variant Classification Sherloc (09022015). Collection method: clinical testing. Allele origin: germline.
Comment: In summary, the available evidence is currently insufficient to determine the role of this variant in disease. Therefore, it has been classified as a Variant of Uncertain Significance. Algorithms developed to predict the effect of missense changes on protein structure and function are either unavailable or do not agree on the potential impact of this missense change (SIFT: "Deleterious"; PolyPhen-2: "Possibly Damaging"; Align-GVGD: "Class C15"). This variant has not been reported in the literature in individuals affected with KCNMA1-related conditions. This variant is not present in population databases (gnomAD no frequency). This sequence change replaces serine, which is neutral and polar, with isoleucine, which is neutral and non-polar, at codon 900 of the KCNMA1 protein (p.Ser900Ile).

NM_001161352.2(KCNMA1):c.2873G>T (p.Ser958Ile)

Genes: KCNMA1 (potassium calcium-activated channel subfamily M alpha 1; minus strand), KCNMA1-AS1 (KCNMA1 antisense RNA 1; plus strand). Cytogenetic location: 10q22.3.
Variant type: single nucleotide variant.
Coding change: c.2873G>T on transcript NM_001161352.2 (MANE Select); coding-DNA position 2873, G replaced by T.
Protein change: p.Ser958Ile; replaces serine 958 with isoleucine.
Molecular consequence: missense variant.
Genome position (GRCh38, 1-based): chr10:76,944,802, C>A on the plus strand (G>T on the coding strand, the complement: KCNMA1 is on the minus strand). VCF-style: chr10-76944802-C-A. GRCh37 (hg19) VCF-style: chr10-78704560-C-A.
Other names: c.2711G>T, p.Ser904Ile (NM_001014797.3, NM_001322835.2, NM_001322837.2); c.2822G>T, p.Ser941Ile (NM_001161353.2); c.2549G>T, p.Ser850Ile (NM_001271518.2); c.2708G>T, p.Ser903Ile (NM_001271519.2, NM_001322829.2, NM_001322836.2); c.2720G>T, p.Ser907Ile (NM_001322830.2); c.2699G>T, p.Ser900Ile (NM_001322832.2, NM_002247.4); c.2246G>T, p.Ser749Ile (NM_001322838.2); short protein forms S850I, S904I, S941I, S900I, S907I, S958I, S749I, S903I.
Identifiers: ClinVar variation 1523592 (VCV001523592.6), dbSNP rs2152884880, ClinGen allele CA377405207.